The following is an entry in ClinVar:

NM_014000.3(VCL):c.854G>A (p.Arg285His)

Gene: VCL (vinculin; plus strand). Cytogenetic location: 10q22.2.
Variant type: single nucleotide variant.
Coding change: c.854G>A on transcript NM_014000.3 (MANE Select); coding-DNA position 854, G replaced by A.
Protein change: p.Arg285His; replaces arginine 285 with histidine.
Molecular consequence: missense variant.
Genome position (GRCh38, 1-based): chr10:74,082,524, G>A. VCF-style: chr10-74082524-G-A. GRCh37 (hg19) VCF-style: chr10-75842282-G-A.
Other names: c.854G>A, p.Arg285His (NM_003373.4); short protein forms R285H.
Identifiers: ClinVar variation 45621 (VCV000045621.16), dbSNP rs397517246, ClinGen allele CA136811.

ClinVar aggregate classification (germline): Conflicting classifications of pathogenicity. Review status: criteria provided, conflicting classifications (1 of 4 stars). 4 submissions from 4 submitters: Uncertain significance (3); Likely benign (1). Last evaluated 2025-11-28.

Conditions:
Cardiovascular phenotype. Identifiers: MedGen CN230736.
Dilated cardiomyopathy 1W (CMD1W). Identifiers: Orphanet 154, MedGen C1969639, MONDO:0012667, OMIM 611407.

Allele frequency attached by ClinVar (database versions not stated): gnomAD exomes 0.00001; TOPMed 0.00001.

Submissions (4):

Labcorp Genetics (formerly Invitae), Labcorp
Classification: Uncertain significance for Dilated cardiomyopathy 1W. Last evaluated: 2025-11-28. Review status: criteria provided, single submitter. Criteria: Invitae Variant Classification Sherloc (09022015). Collection method: clinical testing. Allele origin: germline.
Comment: This sequence change replaces arginine, which is basic and polar, with histidine, which is basic and polar, at codon 285 of the VCL protein (p.Arg285His). This variant is present in population databases (rs397517246, gnomAD 0.003%). This variant has not been reported in the literature in individuals affected with VCL-related conditions. ClinVar contains an entry for this variant (Variation ID: 45621). An algorithm developed to predict the effect of missense changes on protein structure and function outputs the following: PolyPhen-2: "Possibly Damaging". The histidine amino acid residue is found in multiple mammalian species, which suggests that this missense change does not adversely affect protein function. Algorithms developed to predict the effect of sequence changes on RNA splicing suggest that this variant may disrupt the consensus splice site. In summary, the available evidence is currently insufficient to determine the role of this variant in disease. Therefore, it has been classified as a Variant of Uncertain Significance.

Ambry Genetics
Classification: Likely benign for Cardiovascular phenotype. Last evaluated: 2024-04-26. Review status: criteria provided, single submitter. Criteria: Ambry Variant Classification Scheme 2023. Collection method: clinical testing. Allele origin: germline.

Laboratory for Molecular Medicine, Mass General Brigham Personalized Medicine
Classification: Uncertain significance. Last evaluated: 2012-02-07. Review status: criteria provided, single submitter. Criteria: LMM Criteria. Collection method: clinical testing. Allele origin: germline. Observed: 2 variant alleles.
Comment: Arginine (Arg) at position 285 is not completely conserved across different spec ies, increasing the likelihood that a change would be tolerated. Computational a nalyses (biochemical amino acid properties, AlignGVGD, PolyPhen2, and SIFT) also suggest that the Arg285His variant may not impact the protein, though this info rmation is not predictive enough to rule out pathogenicity. Variants in the VCL gene have been found in individuals with HCM as well as DCM (Olson 2002, Vasile 2006). However, the number of studies is still small and the contribution of VCL to HCM and DCM, as well as the types of variants that cause disease, have not b een well established. Additional information is needed to fully assess the clini cal significance of this variant.

Breakthrough Genomics
Classification: Uncertain significance. Review status: criteria provided, single submitter. Criteria: ACMG Guidelines, 2015. Collection method: not provided. Allele origin: germline. Inheritance: Autosomal dominant inheritance. Affected: yes.

Literature cited by the submitters: PubMed 11815424 (cited by Laboratory for Molecular Medicine, Mass General Brigham Personalized Medicine); PubMed 16236538 (cited by Laboratory for Molecular Medicine, Mass General Brigham Personalized Medicine).